The following is an entry in ClinVar:

NM_000466.3(PEX1):c.1125_1128del (p.Asn375fs)

Gene: PEX1 (peroxisomal biogenesis factor 1; minus strand). Cytogenetic location: 7q21.2.
Variant type: Deletion.
Coding change: c.1125_1128del on transcript NM_000466.3 (MANE Select); coding-DNA positions 1125 to 1128, 4 bases deleted (TGAA; older notation c.1125_1128delTGAA).
Protein change: p.Asn375fs; shifts the reading frame from asparagine 375.
Molecular consequence: frameshift variant.
Genome position (GRCh38, 1-based): chr7:92,517,387-92,517,390, TTCA deleted on the plus strand (TGAA on the coding strand, the reverse complement: PEX1 is on the minus strand); deleting any 4 consecutive bases within chr7:92,517,387-92,517,392 gives the same sequence; the c. name uses the placement nearest the transcript's 3' end. VCF-style (leftmost placement, unchanged base first): chr7-92517386-CTTCA-C. GRCh37 (hg19) VCF-style: chr7-92146700-CTTCA-C.
Other names: c.1125_1128del, p.Asn375fs (NM_001282677.2); c.501_504del, p.Asn167fs (NM_001282678.2); short protein forms N375fs, N167fs.
Identifiers: ClinVar variation 5007239 (VCV005007239.2).

ClinVar aggregate classification (germline): Likely pathogenic (1 of 4 stars; one submission).

Conditions:
Heimler syndrome 1 (HMLR1). Also called: PEROXISOME BIOGENESIS DISORDER 1C. Identifiers: Orphanet 3220, MedGen C4551980, OMIM 234580, MONDO:0024544.
Peroxisome biogenesis disorder 1B (PBD1B). Also called: Refsum disease, infantile form; Infantile Refsum disease; Infantile form of phytanic acid storage disease; PEROXISOME BIOGENESIS DISORDER (NEONATAL ADRENOLEUKODYSTROPHY/INFANTILE REFSUM DISEASE); INFANTILE PHYTANIC ACID STORAGE DISEASE; PEROXISOME BIOGENESIS DISORDER (NALD/IRD). Identifiers: Orphanet 44, MedGen C0282527, MONDO:0011101, OMIM 601539.
Peroxisome biogenesis disorder 1A (Zellweger) (PBD1A). Also called: Zellweger leukodystrophy; Peroxisome biogenesis disorder 1a. Identifiers: MedGen C4721541, MONDO:0008953, OMIM 214100.

Submission:

Juno Genomics, Hangzhou Juno Genomics, Inc
Classification: Likely pathogenic for Heimler syndrome 1; Peroxisome biogenesis disorder 1A (Zellweger); Peroxisome biogenesis disorder 1B. Review status: criteria provided, single submitter. Criteria: ACMG Guidelines, 2015. Collection method: clinical testing. Allele origin: germline.
Comment: Null variant in a gene where loss of function (LOF) is a known mechanism of disease.;Absent from controls (or at extremely low frequency if recessive) in Genome Aggregation Database.